The following is an entry in ClinVar:

ClinVar aggregate classification (germline): Uncertain significance (1 of 4 stars; one submission).

Allele frequency attached by ClinVar (database versions not stated): gnomAD exomes below 0.00001.
gnomAD v4.1: 6 of 1,613,776 alleles (0.00037%); highest among the groups gnomAD compares: East Asian, 0.0022%; no homozygotes.

Submission:

Labcorp Genetics (formerly Invitae), Labcorp
Classification: Uncertain significance. Last evaluated: 2023-06-17. Review status: criteria provided, single submitter. Criteria: Invitae Variant Classification Sherloc (09022015). Collection method: clinical testing. Allele origin: germline.
Comment: In summary, the available evidence is currently insufficient to determine the role of this variant in disease. Therefore, it has been classified as a Variant of Uncertain Significance. Algorithms developed to predict the effect of sequence changes on RNA splicing suggest that this variant may disrupt the consensus splice site. This variant has not been reported in the literature in individuals affected with GEN1-related conditions. This variant is not present in population databases (gnomAD no frequency). This sequence change affects codon 47 of the GEN1 mRNA. It is a 'silent' change, meaning that it does not change the encoded amino acid sequence of the GEN1 protein.

NM_001130009.3(GEN1):c.141C>T (p.Ser47=)

Gene: GEN1 (GEN1 structure-specific endonuclease; plus strand). Cytogenetic location: 2p24.2.
Variant type: single nucleotide variant.
Coding change: c.141C>T on transcript NM_001130009.3 (MANE Select); coding-DNA position 141, C replaced by T.
Protein change: p.Ser47=; no amino-acid change (serine 47 retained).
Molecular consequence: synonymous variant.
Genome position (GRCh38, 1-based): chr2:17,760,084, C>T. VCF-style: chr2-17760084-C-T. GRCh37 (hg19) VCF-style: chr2-17941351-C-T.
Other names: c.141C>T, p.Ser47= (NM_182625.5).
Identifiers: ClinVar variation 2883608 (VCV002883608.3), dbSNP rs2125119569, ClinGen allele CA425093242.